The following is an entry in ClinVar:

ClinVar aggregate classification (germline): Uncertain significance. Review status: criteria provided, single submitter (1 of 4 stars). 2 submissions from 2 submitters: Uncertain significance (1). 1 of the submissions does not count toward it. Last evaluated 2025-11-11.

Conditions:
Candidiasis, familial, 9 (CANDF9). Identifiers: Orphanet 1334, MedGen C4225324, MONDO:0014642, OMIM 616445.

Allele frequency attached by ClinVar (database versions not stated): TOPMed 0.00003; ExAC 0.00004; gnomAD 0.00004; gnomAD exomes 0.00004.
gnomAD v4.1: 57 of 1,603,618 alleles (0.0036%); highest among the groups gnomAD compares: African/African-American, 0.0067%; no homozygotes.

Submissions (2):

Labcorp Genetics (formerly Invitae), Labcorp
Classification: Uncertain significance for Candidiasis, familial, 9. Last evaluated: 2025-11-11. Review status: criteria provided, single submitter. Criteria: Invitae Variant Classification Sherloc (09022015). Collection method: clinical testing. Allele origin: germline.
Comment: This sequence change creates a premature translational stop signal (p.Arg376*) in the IL17RC gene. It is expected to result in an absent or disrupted protein product. However, the current clinical and genetic evidence is not sufficient to establish whether loss-of-function variants in IL17RC cause disease. This variant is present in population databases (rs773852926, gnomAD 0.006%). This premature translational stop signal has been observed in individual(s) with chronic mucocutaneous candidiasis (PMID: 25918342, 37395078). ClinVar contains an entry for this variant (Variation ID: 372244). Algorithms developed to predict the effect of variants on gene product structure and function are not available or were not evaluated for this variant. Experimental studies are conflicting or provide insufficient evidence to determine the effect of this variant on IL17RC function (PMID: 25918342). In summary, the available evidence is currently insufficient to determine the role of this variant in disease. Therefore, it has been classified as a Variant of Uncertain Significance.

OMIM
Classification: Pathogenic for CANDIDIASIS, FAMILIAL, 9. Last evaluated: 2015-07-06. Review status: no assertion criteria provided. Collection method: literature only. Allele origin: germline. Not counted in ClinVar's aggregate classification.

Literature cited by the submitters: PubMed 25918342 (cited by Labcorp Genetics (formerly Invitae), Labcorp and OMIM); PubMed 37395078 (cited by Labcorp Genetics (formerly Invitae), Labcorp).

NM_153460.4(IL17RC):c.913C>T (p.Arg305Ter)

Gene: IL17RC (interleukin 17 receptor C; plus strand). Cytogenetic location: 3p25.3.
Variant type: single nucleotide variant.
Coding change: c.913C>T on transcript NM_153460.4 (MANE Select); coding-DNA position 913, C replaced by T.
Protein change: p.Arg305Ter; replaces arginine 305 with a stop codon.
Molecular consequence: nonsense. On other transcripts: non-coding transcript variant (1).
Genome position (GRCh38, 1-based): chr3:9,928,340, C>T. VCF-style: chr3-9928340-C-T. GRCh37 (hg19) VCF-style: chr3-9970024-C-T.
Other names: c.913C>T, p.Arg305Ter (NM_001203263.2, NM_001203264.2); c.868C>T, p.Arg290Ter (NM_001203265.2, NM_001367280.1, NM_032732.6); c.874C>T, p.Arg292Ter (NM_001367278.1); c.793C>T, p.Arg265Ter (NM_001367279.1); c.1126C>T, p.Arg376Ter (NM_153461.4); short protein forms R376*, R305*, R290*, R265*, R292*.
Identifiers: ClinVar variation 372244 (VCV000372244.8), dbSNP rs773852926, ClinGen allele CA2247069.